The following is an entry in ClinVar:

ClinVar aggregate classification (germline): Uncertain significance. Review status: criteria provided, multiple submitters, no conflicts (2 of 4 stars). 2 submissions from 2 submitters: Uncertain significance (2). Last evaluated 2023-07-07.

Conditions:
STAT3-related disorder. Also called: STAT3-related condition.
Hyper-IgE recurrent infection syndrome 1, autosomal dominant. Also called: JOB SYNDROME; HYPER-IgE SYNDROME 1, AUTOSOMAL DOMINANT, WITH RECURRENT INFECTIONS; Job's Syndrome; STAT3 Hyper IgE Syndrome; Hyper-IgE recurrent infection syndrome 1. Identifiers: Orphanet 2314, MedGen C2936739, MONDO:0007818, OMIM 147060.
STAT3 gain of function. Identifiers: MedGen C4288261.

Allele frequency attached by ClinVar (database versions not stated): TOPMed below 0.00001; gnomAD 0.00001.
gnomAD v4.1: 1 of 1,609,934 alleles (0.000062%); highest among the groups gnomAD compares: Non-Finnish European, 0.000085%; no homozygotes.

Submissions (2):

PreventionGenetics, part of Exact Sciences
Classification: Uncertain significance for STAT3-related condition. Last evaluated: 2023-07-07. Review status: criteria provided, single submitter. Criteria: ACMG Guidelines, 2015. Collection method: clinical testing. Allele origin: germline.
Comment: The STAT3 c.2153G>A variant is predicted to result in the amino acid substitution p.Cys718Tyr. To our knowledge, this variant has not been reported in the literature or in a large population database, indicating this variant is rare. At this time, the clinical significance of this variant is uncertain due to the absence of conclusive functional and genetic evidence.

Labcorp Genetics (formerly Invitae), Labcorp
Classification: Uncertain significance for STAT3 gain of function; Hyper-IgE recurrent infection syndrome 1, autosomal dominant. Last evaluated: 2022-01-11. Review status: criteria provided, single submitter. Criteria: Invitae Variant Classification Sherloc (09022015). Collection method: clinical testing. Allele origin: germline.
Comment: This sequence change replaces cysteine, which is neutral and slightly polar, with tyrosine, which is neutral and polar, at codon 718 of the STAT3 protein (p.Cys718Tyr). This variant is not present in population databases (gnomAD no frequency). This variant has not been reported in the literature in individuals affected with STAT3-related conditions. Advanced modeling of protein sequence and biophysical properties (such as structural, functional, and spatial information, amino acid conservation, physicochemical variation, residue mobility, and thermodynamic stability) performed at Invitae indicates that this missense variant is not expected to disrupt STAT3 protein function. In summary, the available evidence is currently insufficient to determine the role of this variant in disease. Therefore, it has been classified as a Variant of Uncertain Significance.

NM_139276.3(STAT3):c.2153G>A (p.Cys718Tyr)

Gene: STAT3 (signal transducer and activator of transcription 3; minus strand). Cytogenetic location: 17q21.2.
Variant type: single nucleotide variant.
Coding change: c.2153G>A on transcript NM_139276.3 (MANE Select); coding-DNA position 2153, G replaced by A.
Protein change: p.Cys718Tyr; replaces cysteine 718 with tyrosine.
Molecular consequence: missense variant. On other transcripts: intron variant (9).
Genome position (GRCh38, 1-based): chr17:42,316,893, C>T on the plus strand (G>A on the coding strand, the complement: STAT3 is on the minus strand). VCF-style: chr17-42316893-C-T. GRCh37 (hg19) VCF-style: chr17-40468911-C-T.
Other names: c.2153G>A, p.Cys718Tyr (NM_001369512.1, NM_001369513.1); c.2150G>A, p.Cys717Tyr (NM_001369514.1, NM_001369516.1, NM_003150.4); c.2069G>A, p.Cys690Tyr (NM_001384984.1); c.2075G>A, p.Cys692Tyr (NM_001384985.1); c.2132G>A, p.Cys711Tyr (NM_001384987.1); c.2054G>A, p.Cys685Tyr (NM_001384989.1); c.2126G>A, p.Cys709Tyr (NM_001384991.1); c.2093G>A, p.Cys698Tyr (NM_001384992.1); and 6 more; short protein forms C717Y, C692Y, C711Y, C685Y, C698Y, C709Y, C690Y, C718Y.
Identifiers: ClinVar variation 2079299 (VCV002079299.5), dbSNP rs1196027016, ClinGen allele CA399580145.